The following is an entry in ClinVar:

NM_001142800.2(EYS):c.1146_1147inv (p.Ala383Thr)

Gene: EYS (eyes shut homolog; minus strand). Cytogenetic location: 6q12.
Variant type: Inversion.
Coding change: c.1146_1147inv on transcript NM_001142800.2 (MANE Select).
Protein change: p.Ala383Thr; replaces alanine 383 with threonine.
Molecular consequence: missense variant.
Genome position: GRCh38 VCF-style: chr6-65402515-CA-TG. GRCh37 (hg19) VCF-style: chr6-66112408-CA-TG.
Other names: c.1146_1147inv, p.Ala383Thr (NM_001142801.2, NM_001292009.2, NM_198283.2); short protein forms A383T.
Identifiers: ClinVar variation 1053515 (VCV001053515.6), ClinGen allele CA2499218490.

ClinVar aggregate classification (germline): Uncertain significance (1 of 4 stars; one submission).

Submission:

Labcorp Genetics (formerly Invitae), Labcorp
Classification: Uncertain significance. Last evaluated: 2022-02-09. Review status: criteria provided, single submitter. Criteria: Invitae Variant Classification Sherloc (09022015). Collection method: clinical testing. Allele origin: germline.
Comment: This sequence change replaces alanine, which is neutral and non-polar, with threonine, which is neutral and polar, at codon 383 of the EYS protein (p.Ala383Thr). Information on the frequency of this variant in the gnomAD database is not available, as this variant may be reported differently in the database. This variant has not been reported in the literature in individuals affected with EYS-related conditions. ClinVar contains an entry for this variant (Variation ID: 1053515). Experimental studies and prediction algorithms are not available or were not evaluated, and the functional significance of this variant is currently unknown. In summary, the available evidence is currently insufficient to determine the role of this variant in disease. Therefore, it has been classified as a Variant of Uncertain Significance.